The following is an entry in ClinVar:

ClinVar aggregate classification (germline): Uncertain significance (1 of 4 stars; one submission).

Conditions:
Werner syndrome (WRN). Identifiers: Orphanet 902, MedGen C0043119, MONDO:0010196, OMIM 277700.

Allele frequency attached by ClinVar (database versions not stated): gnomAD exomes below 0.00001; ExAC 0.00001.
gnomAD v4.1: 3 of 1,613,874 alleles (0.00019%); highest among the groups gnomAD compares: Middle Eastern, 0.017%; no homozygotes.

Submission:

Labcorp Genetics (formerly Invitae), Labcorp
Classification: Uncertain significance for Werner syndrome. Last evaluated: 2024-04-23. Review status: criteria provided, single submitter. Criteria: Invitae Variant Classification Sherloc (09022015). Collection method: clinical testing. Allele origin: germline.
Comment: This sequence change replaces isoleucine, which is neutral and non-polar, with valine, which is neutral and non-polar, at codon 53 of the WRN protein (p.Ile53Val). This variant is present in population databases (rs772963859, gnomAD 0.0009%). This variant has not been reported in the literature in individuals affected with WRN-related conditions. ClinVar contains an entry for this variant (Variation ID: 842806). Algorithms developed to predict the effect of missense changes on protein structure and function output the following: SIFT: "Not Available"; PolyPhen-2: "Benign"; Align-GVGD: "Not Available". The valine amino acid residue is found in multiple mammalian species, which suggests that this missense change does not adversely affect protein function. In summary, the available evidence is currently insufficient to determine the role of this variant in disease. Therefore, it has been classified as a Variant of Uncertain Significance.

NM_000553.6(WRN):c.157A>G (p.Ile53Val)

Gene: WRN (WRN RecQ like helicase; plus strand). Cytogenetic location: 8p12.
Variant type: single nucleotide variant.
Coding change: c.157A>G on transcript NM_000553.6 (MANE Select); coding-DNA position 157, A replaced by G.
Protein change: p.Ile53Val; replaces isoleucine 53 with valine.
Molecular consequence: missense variant.
Genome position (GRCh38, 1-based): chr8:31,059,213, A>G. VCF-style: chr8-31059213-A-G. GRCh37 (hg19) VCF-style: chr8-30916729-A-G.
Other names: short protein forms I53V.
Identifiers: ClinVar variation 842806 (VCV000842806.4), dbSNP rs772963859, ClinGen allele CA4703993.